The following is an entry in ClinVar:

NM_001999.4(FBN2):c.7714A>G (p.Asn2572Asp)

Gene: FBN2 (fibrillin 2; minus strand). Cytogenetic location: 5q23.3.
Variant type: single nucleotide variant.
Coding change: c.7714A>G on transcript NM_001999.4 (MANE Select); coding-DNA position 7714, A replaced by G.
Protein change: p.Asn2572Asp; replaces asparagine 2572 with aspartic acid.
Molecular consequence: missense variant.
Genome position (GRCh38, 1-based): chr5:128,273,966, T>C on the plus strand (A>G on the coding strand, the complement: FBN2 is on the minus strand). VCF-style: chr5-128273966-T-C. GRCh37 (hg19) VCF-style: chr5-127609658-T-C.
Other names: short protein forms N2572D.
Identifiers: ClinVar variation 4074696 (VCV004074696.1).

ClinVar aggregate classification (germline): Uncertain significance (1 of 4 stars; one submission).

gnomAD v4.1: 1 of 1,613,952 alleles (0.000062%); highest among the groups gnomAD compares: Non-Finnish European, 0.000085%; no homozygotes.

Submission:

GeneDx
Classification: Uncertain significance. Last evaluated: 2025-02-07. Review status: criteria provided, single submitter. Criteria: GeneDx Variant Classification Process June 2021. Collection method: clinical testing. Allele origin: germline. Affected: yes.
Comment: Not observed at significant frequency in large population cohorts (gnomAD); In silico analysis supports that this missense variant has a deleterious effect on protein structure/function; Although located in a calcium-binding EGF-like domain of the FBN2 gene, it does not substitute or introduce a cysteine residue (PMID: 19006240, 18767143); Has not been previously published as pathogenic or benign to our knowledge; This variant is associated with the following publications: (PMID: 19006240, 18767143)